The following is an entry in ClinVar:

NC_000022.10:g.(?_29120157)_(29121088_?)del

Gene: CHEK2 (checkpoint kinase 2; minus strand). Cytogenetic location: 22q12.1.
Variant type: Deletion.
Identifiers: ClinVar variation 3247546 (VCV003247546.1).

ClinVar aggregate classification (germline): Likely pathogenic (1 of 4 stars; one submission).

Conditions:
Familial cancer of breast. Also called: BREAST CANCER, FAMILIAL; Hereditary breast cancer; hereditary breast carcinoma. Identifiers: Orphanet 227535, MedGen C0346153, MONDO:0016419, OMIM 114480. Disease mechanism: loss of function.

Submission:

Labcorp Genetics (formerly Invitae), Labcorp
Classification: Likely pathogenic for Familial cancer of breast. Last evaluated: 2019-04-01. Review status: criteria provided, single submitter. Criteria: Invitae Variant Classification Sherloc (09022015). Collection method: clinical testing. Allele origin: unknown.
Comment: In summary, the currently available evidence indicates that the variant is pathogenic, but additional data are needed to prove that conclusively. Therefore, this variant has been classified as Likely Pathogenic. Loss-of-function variants in CHEK2 are known to be pathogenic (PMID: 21876083, 24713400). This variant has not been reported in the literature in individuals with CHEK2-related conditions. This variant is a deletion of the genomic region encompassing part of exon¬†4 (c.469_592+809del) of the CHEK2 gene.¬†It is expected to disrupt RNA splicing and likely results in an absent or disrupted protein product.

Literature cited by the submitters: PubMed 21876083; PubMed 24713400.